The following is an entry in ClinVar:

NM_198578.4(LRRK2):c.7224G>A (p.Met2408Ile)

Gene: LRRK2 (leucine rich repeat kinase 2; plus strand). Cytogenetic location: 12q12.
Variant type: single nucleotide variant.
Coding change: c.7224G>A on transcript NM_198578.4 (MANE Select); coding-DNA position 7224, G replaced by A.
Protein change: p.Met2408Ile; replaces methionine 2408 with isoleucine.
Molecular consequence: missense variant.
Genome position (GRCh38, 1-based): chr12:40,364,884, G>A. VCF-style: chr12-40364884-G-A. GRCh37 (hg19) VCF-style: chr12-40758686-G-A.
Other names: short protein forms M2408I.
Identifiers: ClinVar variation 39239 (VCV000039239.4), dbSNP rs60545352, ClinGen allele CA343688.

ClinVar aggregate classification (germline): Uncertain significance. Review status: no assertion criteria provided (0 of 4 stars). 2 submissions from 2 submitters: Uncertain significance (1). 1 of the submissions does not count toward it.

Conditions:
Autosomal dominant Parkinson disease 8. Also called: LRRK2-Related Parkinson Disease; Parkinson disease 8; Parkinson disease 8, susceptibility to. Identifiers: Orphanet 411602, MedGen C1846862, MONDO:0011764, OMIM 607060.

Allele frequency attached by ClinVar (database versions not stated): ExAC 0.00001; gnomAD 0.00002 and 0.00003; gnomAD exomes 0.00002; TOPMed 0.00003.
gnomAD v4.1: 38 of 1,612,146 alleles (0.0024%); highest among the groups gnomAD compares: Middle Eastern, 0.016%; no homozygotes.

Submissions (2):

Department of Pathology and Laboratory Medicine, Sinai Health System
Classification: Uncertain significance. Review status: no assertion criteria provided. Collection method: clinical testing. Allele origin: unknown. Affected: yes. Study: The Canadian Open Genetics Repository (COGR).
Comment: The LRRK2 p.Met2408Ile variant was not identified in Clinvitae, Cosmic, MutDB and LOVD 3.0. The variant was identified in dbSNP (ID: rs60545352) and in ClinVar (classified as a VUS for Parkinson disease 8, autosomal dominant by GeneReviews). The variant was also identified in control databases in 6 of 281598 chromosomes at a frequency of 0.000021 (Genome Aggregation Database Feb 27, 2017). The variant was observed in the following populations: Other in 1 of 7162 chromosomes (freq: 0.00014), Latino in 3 of 35242 chromosomes (freq: 0.000085), European (non-Finnish) in 2 of 128360 chromosomes (freq: 0.000016), but was not observed in the African, Ashkenazi Jewish, East Asian, European (Finnish) and South Asian populations. In a study analyzing LRRK2 variants in patients with familial Parkinson's disease, the p.Met2408Ile variant was identified in one proband with familial PD, but was also found in an unaffected individual from another family and in two healthy control subjects, suggesting this variant does not segregate with disease (Jasinska-Myga_2010_PMID: 20721913). The variant is located in the WD40 protein domain (O.A. Ross_2011_PMID: 21885347), however the p.Met2408 residue is not conserved in mammals and computational analyses (PolyPhen-2, SIFT, AlignGVGD, BLOSUM, MutationTaster) do not suggest a high likelihood of impact to the protein. However, this information is not predictive enough to rule out pathogenicity. In summary, based on the above information the clinical significance of this variant cannot be determined with certainty at this time. This variant is classified as a variant of uncertain significance.

GeneReviews
No classification provided. Condition: Autosomal dominant Parkinson disease 8. Review status: no classification provided. Collection method: literature only. Allele origin: unknown. Not counted in ClinVar's aggregate classification.

Literature cited by the submitters: PubMed 20301387 (cited by GeneReviews); NCBI Bookshelf NBK1208 (cited by GeneReviews).